The following is an entry in ClinVar:

NM_001277115.2(DNAH11):c.13190dup (p.Asn4397fs)

Gene: DNAH11 (dynein axonemal heavy chain 11; plus strand). Cytogenetic location: 7p15.3.
Variant type: Duplication.
Coding change: c.13190dup on transcript NM_001277115.2 (MANE Select); coding-DNA position 13190, one base duplicated (A; older notation c.13190dupA).
Protein change: p.Asn4397fs; shifts the reading frame from asparagine 4397.
Molecular consequence: frameshift variant.
Genome position (GRCh38, 1-based): chr7:21,900,007, A duplicated; the last of 6 consecutive A bases (chr7:21,900,002-21,900,007); duplicating any one gives the same sequence. VCF-style (leftmost placement, unchanged base first): chr7-21900001-G-GA. GRCh37 (hg19) VCF-style: chr7-21939619-G-GA.
Other names: short protein forms N4397fs.
Identifiers: ClinVar variation 4697878 (VCV004697878.1).

ClinVar aggregate classification (germline): Pathogenic (1 of 4 stars; one submission).

Conditions:
Primary ciliary dyskinesia. Also called: Ciliary dyskinesia. Identifiers: Orphanet 244, MedGen C0008780, MONDO:0016575, HP:0012265.

Submission:

Labcorp Genetics (formerly Invitae), Labcorp
Classification: Pathogenic for Primary ciliary dyskinesia. Last evaluated: 2026-01-02. Review status: criteria provided, single submitter. Criteria: Invitae Variant Classification Sherloc (09022015). Collection method: clinical testing. Allele origin: germline.
Comment: This sequence change creates a premature translational stop signal (p.Asn4397Lysfs*2) in the DNAH11 gene. It is expected to result in an absent or disrupted protein product. Loss-of-function variants in DNAH11 are known to be pathogenic (PMID: 18022865, 20513915, 22184204). This variant is not present in population databases (gnomAD no frequency). This variant has not been reported in the literature in individuals affected with DNAH11-related conditions. For these reasons, this variant has been classified as Pathogenic.

Literature cited by the submitters: PubMed 18022865; PubMed 20513915; PubMed 22184204.